The following is an entry in ClinVar:

ClinVar aggregate classification (germline): Uncertain significance (1 of 4 stars; one submission).

Conditions:
Hereditary cancer-predisposing syndrome. Also called: Neoplastic Syndromes, Hereditary; Tumor predisposition; Hereditary neoplastic syndrome; Hereditary Cancer Syndrome. Identifiers: Orphanet 140162, MedGen C0027672, MeSH D009386, MONDO:0015356.

Submission:

Ambry Genetics
Classification: Uncertain significance for Hereditary cancer-predisposing syndrome. Last evaluated: 2022-11-17. Review status: criteria provided, single submitter. Criteria: Ambry Variant Classification Scheme 2023. Collection method: clinical testing. Allele origin: germline.
Comment: The p.E58D variant (also known as c.174A>C), located in coding exon 2 of the BRCA2 gene, results from an A to C substitution at nucleotide position 174. The glutamic acid at codon 58 is replaced by aspartic acid, an amino acid with highly similar properties. This amino acid position is well conserved in available vertebrate species. In addition, this alteration is predicted to be tolerated by in silico analysis. Since supporting evidence is limited at this time, the clinical significance of this alteration remains unclear.

NM_000059.4(BRCA2):c.174A>C (p.Glu58Asp)

Gene: BRCA2 (BRCA2 DNA repair associated; plus strand). Cytogenetic location: 13q13.1.
Variant type: single nucleotide variant.
Coding change: c.174A>C on transcript NM_000059.4 (MANE Select); coding-DNA position 174, A replaced by C.
Protein change: p.Glu58Asp; replaces glutamic acid 58 with aspartic acid.
Molecular consequence: missense variant. On other transcripts: 5 prime UTR variant (1), non-coding transcript variant (1).
Genome position (GRCh38, 1-based): chr13:32,319,183, A>C. VCF-style: chr13-32319183-A-C. GRCh37 (hg19) VCF-style: chr13-32893320-A-C.
Other names: c.174A>C, p.Glu58Asp (NM_001406719.1, NM_001406720.1, NM_001406721.1); c.-196A>C (NM_001406722.1); short protein forms E58D.
Identifiers: ClinVar variation 2451493 (VCV002451493.2), dbSNP rs924234502, ClinGen allele CA247481057.